The following is an entry in ClinVar:

ClinVar aggregate classification (germline): Uncertain significance (1 of 4 stars; one submission).

Conditions:
Inborn genetic diseases. Identifiers: MedGen C0950123, MeSH D030342.

Submission:

Ambry Genetics
Classification: Uncertain significance for Inborn genetic diseases. Last evaluated: 2026-01-02. Review status: criteria provided, single submitter. Criteria: Ambry Variant Classification Scheme 2023. Collection method: clinical testing. Allele origin: germline.
Comment: The p.L375I variant (also known as c.1123C>A), located in coding exon 4 of the GATA2 gene, results from a C to A substitution at nucleotide position 1123. The leucine at codon 375 is replaced by isoleucine, an amino acid with highly similar properties. This amino acid position is highly conserved in available vertebrate species. In addition, this alteration is predicted to be deleterious by in silico analysis. Based on the available evidence, the clinical significance of this variant remains unclear.

NM_032638.5(GATA2):c.1123C>A (p.Leu375Ile)

Gene: GATA2 (GATA binding protein 2; minus strand). Cytogenetic location: 3q21.3.
Variant type: single nucleotide variant.
Coding change: c.1123C>A on transcript NM_032638.5 (MANE Select); coding-DNA position 1123, C replaced by A.
Protein change: p.Leu375Ile; replaces leucine 375 with isoleucine.
Molecular consequence: missense variant.
Genome position (GRCh38, 1-based): chr3:128,481,839, G>T on the plus strand (C>A on the coding strand, the complement: GATA2 is on the minus strand). VCF-style: chr3-128481839-G-T. GRCh37 (hg19) VCF-style: chr3-128200682-G-T.
Other names: c.1123C>A, p.Leu375Ile (NM_001145661.2); c.1081C>A, p.Leu361Ile (NM_001145662.1); short protein forms L375I, L361I.
Identifiers: ClinVar variation 4842560 (VCV004842560.1).